The following is an entry in ClinVar:

NM_020631.6(PLEKHG5):c.2579G>A (p.Arg860His)

Gene: PLEKHG5 (pleckstrin homology and RhoGEF domain containing G5; minus strand). Cytogenetic location: 1p36.31.
Variant type: single nucleotide variant.
Coding change: c.2579G>A on transcript NM_020631.6 (MANE Select); coding-DNA position 2579, G replaced by A.
Protein change: p.Arg860His; replaces arginine 860 with histidine.
Molecular consequence: missense variant.
Genome position (GRCh38, 1-based): chr1:6,468,257, C>T on the plus strand (G>A on the coding strand, the complement: PLEKHG5 is on the minus strand). VCF-style: chr1-6468257-C-T. GRCh37 (hg19) VCF-style: chr1-6528317-C-T.
Other names: c.2690G>A, p.Arg897His (NM_001042663.3, NM_001265592.2); c.2579G>A, p.Arg860His (NM_001042664.2, NM_001042665.2, NM_001265594.3 and 1 more transcripts); c.2786G>A, p.Arg929His (NM_001265593.2); short protein forms R860H, R929H, R897H.
Identifiers: ClinVar variation 426600 (VCV000426600.12), dbSNP rs765235144, ClinGen allele CA561127.

ClinVar aggregate classification (germline): Uncertain significance. Review status: criteria provided, multiple submitters, no conflicts (2 of 4 stars). 3 submissions from 3 submitters: Uncertain significance (3). Last evaluated 2024-08-28.

Conditions:
Inborn genetic diseases. Identifiers: MedGen C0950123, MeSH D030342.
Neuronopathy, distal hereditary motor, autosomal recessive 4. Also called: NEUROPATHY, DISTAL HEREDITARY MOTOR, AUTOSOMAL RECESSIVE 4; Autosomal recessive lower motor neuron disease with childhood onset. Identifiers: Orphanet 206580, MedGen C1970211, MONDO:0012608, OMIM 611067.
Charcot-Marie-Tooth disease recessive intermediate C. Also called: CHARCOT-MARIE-TOOTH NEUROPATHY, RECESSIVE INTERMEDIATE C. Identifiers: Orphanet 369867, MedGen C3809309, MONDO:0014154, OMIM 615376.

Allele frequency attached by ClinVar (database versions not stated): ExAC 0.00001; gnomAD 0.00002; gnomAD exomes 0.00003 and 0.00009; TOPMed 0.00004.
gnomAD v4.1: 125 of 1,602,382 alleles (0.0078%); highest among the groups gnomAD compares: Non-Finnish European, 0.01%; no homozygotes.

Submissions (3):

Ambry Genetics
Classification: Uncertain significance for Inborn genetic diseases. Last evaluated: 2024-08-28. Review status: criteria provided, single submitter. Criteria: Ambry Variant Classification Scheme 2023. Collection method: clinical testing. Allele origin: germline.

GeneDx
Classification: Uncertain significance. Last evaluated: 2024-05-30. Review status: criteria provided, single submitter. Criteria: GeneDx Variant Classification Process June 2021. Collection method: clinical testing. Allele origin: germline. Affected: yes.
Comment: Not observed at significant frequency in large population cohorts (gnomAD); In silico analysis indicates that this missense variant does not alter protein structure/function; Has not been previously published as pathogenic or benign to our knowledge

Labcorp Genetics (formerly Invitae), Labcorp
Classification: Uncertain significance for Neuronopathy, distal hereditary motor, autosomal recessive 4; Charcot-Marie-Tooth disease recessive intermediate C. Last evaluated: 2021-08-28. Review status: criteria provided, single submitter. Criteria: Invitae Variant Classification Sherloc (09022015). Collection method: clinical testing. Allele origin: germline.
Comment: This sequence change replaces arginine with histidine at codon 860 of the PLEKHG5 protein (p.Arg860His). The arginine residue is moderately conserved and there is a small physicochemical difference between arginine and histidine. This variant is present in population databases (rs765235144, ExAC 0.002%). This variant has not been reported in the literature in individuals affected with PLEKHG5-related conditions. ClinVar contains an entry for this variant (Variation ID: 426600). Algorithms developed to predict the effect of missense changes on protein structure and function are either unavailable or do not agree on the potential impact of this missense change (SIFT: "Deleterious"; PolyPhen-2: "Benign"; Align-GVGD: "Class C0"). In summary, the available evidence is currently insufficient to determine the role of this variant in disease. Therefore, it has been classified as a Variant of Uncertain Significance.